The following is an entry in ClinVar:

ClinVar aggregate classification (germline): Uncertain significance (1 of 4 stars; one submission).

Conditions:
Mitochondrial hypertrophic cardiomyopathy with lactic acidosis due to MTO1 deficiency. Also called: Combined oxidative phosphorylation deficiency 10; CARDIOMYOPATHY, INFANTILE HYPERTROPHIC MITOCHONDRIAL, AND LACTIC ACIDOSIS. Identifiers: Orphanet 314637, MedGen C4749921, MONDO:0013865, OMIM 614702.

Allele frequency attached by ClinVar (database versions not stated): gnomAD exomes below 0.00001 and 0.00001; ExAC 0.00001; gnomAD 0.00001; TOPMed 0.00001.
gnomAD v4.1: 9 of 1,592,422 alleles (0.00057%); highest among the groups gnomAD compares: Non-Finnish European, 0.00077%; no homozygotes.

Submission:

Labcorp Genetics (formerly Invitae), Labcorp
Classification: Uncertain significance for Mitochondrial hypertrophic cardiomyopathy with lactic acidosis due to MTO1 deficiency. Last evaluated: 2022-10-17. Review status: criteria provided, single submitter. Criteria: Invitae Variant Classification Sherloc (09022015). Collection method: clinical testing. Allele origin: germline.
Comment: This sequence change replaces arginine, which is basic and polar, with glycine, which is neutral and non-polar, at codon 686 of the MTO1 protein (p.Arg686Gly). This variant is present in population databases (rs780656358, gnomAD 0.0009%). This variant has not been reported in the literature in individuals affected with MTO1-related conditions. ClinVar contains an entry for this variant (Variation ID: 1461730). Algorithms developed to predict the effect of missense changes on protein structure and function (SIFT, PolyPhen-2, Align-GVGD) all suggest that this variant is likely to be tolerated. In summary, the available evidence is currently insufficient to determine the role of this variant in disease. Therefore, it has been classified as a Variant of Uncertain Significance.

NM_012123.4(MTO1):c.2056A>G (p.Arg686Gly)

Gene: MTO1 (mitochondrial tRNA translation optimization 1; plus strand). Cytogenetic location: 6q13.
Variant type: single nucleotide variant.
Coding change: c.2056A>G on transcript NM_012123.4 (MANE Select); coding-DNA position 2056, A replaced by G.
Protein change: p.Arg686Gly; replaces arginine 686 with glycine.
Molecular consequence: missense variant.
Genome position (GRCh38, 1-based): chr6:73,500,712, A>G. VCF-style: chr6-73500712-A-G. GRCh37 (hg19) VCF-style: chr6-74210435-A-G.
Other names: c.2176A>G, p.Arg726Gly (NM_001123226.2); c.2131A>G, p.Arg711Gly (NM_133645.3); short protein forms R686G, R726G, R711G.
Identifiers: ClinVar variation 1461730 (VCV001461730.8), dbSNP rs780656358, ClinGen allele CA3889815.
Genomic context (GRCh38, chr6:73,500,712, plus strand): 5'-CGAAGACAGTCGGCTATGAATGAATCATCCAAGACTGATCAATACTTATGTGATGCAGAC[A>G]GACTTCAAGAGAGAGAGTTATAGCTTTCAATTCATAAAAGATTTTTAAAGAGCATATAAA-3'
Protein context (NP_036255.2, residues 676-692): KTDQYLCDAD[Arg686Gly]LQEREL